The following is an entry in ClinVar:

NM_004260.4(RECQL4):c.3392G>T (p.Arg1131Ile)

Gene: RECQL4 (RecQ like helicase 4; minus strand). Cytogenetic location: 8q24.3.
Variant type: single nucleotide variant.
Coding change: c.3392G>T on transcript NM_004260.4 (MANE Select); coding-DNA position 3392, G replaced by T.
Protein change: p.Arg1131Ile; replaces arginine 1131 with isoleucine.
Molecular consequence: missense variant.
Genome position (GRCh38, 1-based): chr8:144,511,912, C>A on the plus strand (G>T on the coding strand, the complement: RECQL4 is on the minus strand). VCF-style: chr8-144511912-C-A. GRCh37 (hg19) VCF-style: chr8-145737295-C-A.
Other names: short protein forms R1131I.
Identifiers: ClinVar variation 459474 (VCV000459474.8), dbSNP rs201369291, ClinGen allele CA372667898.

ClinVar aggregate classification (germline): Uncertain significance. Review status: criteria provided, multiple submitters, no conflicts (2 of 4 stars). 2 submissions from 2 submitters: Uncertain significance (2). Last evaluated 2025-12-15.

Conditions:
Baller-Gerold syndrome (BGS). Also called: CRANIOSYNOSTOSIS WITH RADIAL DEFECTS. Identifiers: Orphanet 1225, MedGen C0265308, MONDO:0009039, OMIM 218600.

Allele frequency attached by ClinVar (database versions not stated): TOPMed 0.00001.

Submissions (2):

Labcorp Genetics (formerly Invitae), Labcorp
Classification: Uncertain significance for Baller-Gerold syndrome. Last evaluated: 2025-12-15. Review status: criteria provided, single submitter. Criteria: Invitae Variant Classification Sherloc (09022015). Collection method: clinical testing. Allele origin: germline.
Comment: This sequence change replaces arginine, which is basic and polar, with isoleucine, which is neutral and non-polar, at codon 1131 of the RECQL4 protein (p.Arg1131Ile). This variant is not present in population databases (gnomAD no frequency). This variant has not been reported in the literature in individuals affected with RECQL4-related conditions. ClinVar contains an entry for this variant (Variation ID: 459474). Experimental studies and prediction algorithms are not available or were not evaluated, and the functional significance of this variant is currently unknown. In summary, the available evidence is currently insufficient to determine the role of this variant in disease. Therefore, it has been classified as a Variant of Uncertain Significance.

Blueprint Genetics
Classification: Uncertain significance. Last evaluated: 2017-09-07. Review status: criteria provided, single submitter. Criteria: ACMG Guidelines, 2015. Collection method: clinical testing. Allele origin: germline.